The following is an entry in ClinVar:

ClinVar aggregate classification (germline): Pathogenic (1 of 4 stars; one submission).

Conditions:
Kleefstra syndrome 1 (KLEFS1). Identifiers: Orphanet 261494, MedGen C0795833, MONDO:0027407, OMIM 610253.

Submission:

Labcorp Genetics (formerly Invitae), Labcorp
Classification: Pathogenic for Kleefstra syndrome 1. Last evaluated: 2022-02-22. Review status: criteria provided, single submitter. Criteria: Invitae Variant Classification Sherloc (09022015). Collection method: clinical testing. Allele origin: germline.
Comment: For these reasons, this variant has been classified as Pathogenic. Algorithms developed to predict the effect of sequence changes on RNA splicing suggest that this variant may disrupt the consensus splice site. This variant has not been reported in the literature in individuals affected with EHMT1-related conditions. This variant is not present in population databases (gnomAD no frequency). This sequence change creates a premature translational stop signal (p.Gln262*) in the EHMT1 gene. It is expected to result in an absent or disrupted protein product. Loss-of-function variants in EHMT1 are known to be pathogenic (PMID: 16826528, 19264732).

Literature cited by the submitters: PubMed 16826528; PubMed 19264732.

NM_024757.5(EHMT1):c.784C>T (p.Gln262Ter)

Gene: EHMT1 (euchromatic histone lysine methyltransferase 1; plus strand). Cytogenetic location: 9q34.3.
Variant type: single nucleotide variant.
Coding change: c.784C>T on transcript NM_024757.5 (MANE Select); coding-DNA position 784, C replaced by T.
Protein change: p.Gln262Ter; replaces glutamine 262 with a stop codon.
Molecular consequence: nonsense.
Genome position (GRCh38, 1-based): chr9:137,728,490, C>T. VCF-style: chr9-137728490-C-T. GRCh37 (hg19) VCF-style: chr9-140622942-C-T.
Other names: c.784C>T, p.Gln262Ter (NM_001145527.2, NM_001354263.2, NM_001354611.2); c.691C>T, p.Gln231Ter (NM_001354259.2, NM_001354612.2); short protein forms Q231*, Q262*.
Identifiers: ClinVar variation 1352642 (VCV001352642.6), dbSNP rs2135784846, ClinGen allele CA375772300.
Genomic context (GRCh38, chr9:137,728,490, plus strand): 5'-TCTGACTTTGGACGACAGCAGCTTTTACCCCCCTTCCCATCCCTTCATCAGTCGCTACCT[C>T]AGAACCAGTGCTACATGGCCACCACAAAATCACAGACAGGTAAAGAGGACCCGGCAACTG-3'